The following is an entry in ClinVar:

NM_002907.4(RECQL):c.160G>A (p.Asp54Asn)

Gene: RECQL (RecQ like helicase; minus strand). Cytogenetic location: 12p12.1.
Variant type: single nucleotide variant.
Coding change: c.160G>A on transcript NM_002907.4 (MANE Select); coding-DNA position 160, G replaced by A.
Protein change: p.Asp54Asn; replaces aspartic acid 54 with asparagine.
Molecular consequence: missense variant.
Genome position (GRCh38, 1-based): chr12:21,491,573, C>T on the plus strand (G>A on the coding strand, the complement: RECQL is on the minus strand). VCF-style: chr12-21491573-C-T. GRCh37 (hg19) VCF-style: chr12-21644507-C-T.
Other names: c.160G>A, p.Asp54Asn (NM_032941.3); short protein forms D54N.
Identifiers: ClinVar variation 1022438 (VCV001022438.14), dbSNP rs751876256, ClinGen allele CA6479189.

ClinVar aggregate classification (germline): Conflicting classifications of pathogenicity. Review status: criteria provided, conflicting classifications (1 of 4 stars). 4 submissions from 4 submitters: Uncertain significance (3); Likely benign (1). Last evaluated 2025-11-09.

Allele frequency attached by ClinVar (database versions not stated): ExAC 0.00003; gnomAD exomes 0.00003 and 0.00004; TOPMed 0.00005; gnomAD 0.00008 and 0.00009.
gnomAD v4.1: 68 of 1,611,780 alleles (0.0042%); highest among the groups gnomAD compares: Non-Finnish European, 0.0058%; no homozygotes.

Submissions (4):

Labcorp Genetics (formerly Invitae), Labcorp
Classification: Uncertain significance. Last evaluated: 2025-11-09. Review status: criteria provided, single submitter. Criteria: Invitae Variant Classification Sherloc (09022015). Collection method: clinical testing. Allele origin: germline.
Comment: This sequence change replaces aspartic acid, which is acidic and polar, with asparagine, which is neutral and polar, at codon 54 of the RECQL protein (p.Asp54Asn). This variant is present in population databases (rs751876256, gnomAD 0.006%). This variant has not been reported in the literature in individuals affected with RECQL-related conditions. ClinVar contains an entry for this variant (Variation ID: 1022438). An algorithm developed to predict the effect of missense changes on protein structure and function (PolyPhen-2) suggests that this variant is likely to be tolerated. In summary, the available evidence is currently insufficient to determine the role of this variant in disease. Therefore, it has been classified as a Variant of Uncertain Significance.

Ambry Genetics
Classification: Likely benign. Last evaluated: 2024-03-28. Review status: criteria provided, single submitter. Criteria: Ambry Variant Classification Scheme 2023. Collection method: clinical testing. Allele origin: germline.

Quest Diagnostics Nichols Institute San Juan Capistrano
Classification: Uncertain significance. Last evaluated: 2023-05-10. Review status: criteria provided, single submitter. Criteria: Quest Diagnostics criteria. Collection method: clinical testing. Allele origin: unknown.
Comment: The frequency of this variant in the general population, 0.000062 (8/128366 chromosomes), is uninformative in assessment of its pathogenicity. In a large-scale case-control study, the variant has been reported in individuals with breast cancer as well as in unaffected controls (PMID: 33471991 (2021), see also LOVD (RECQL)). Analysis of this variant using bioinformatics tools for the prediction of the effect of amino acid changes on protein structure and function yielded predictions that this variant is benign. Based on the available information, we are unable to determine the clinical significance of this variant.

GeneDx
Classification: Uncertain significance. Last evaluated: 2022-12-13. Review status: criteria provided, single submitter. Criteria: GeneDx Variant Classification Process June 2021. Collection method: clinical testing. Allele origin: germline. Affected: yes.
Comment: In silico analysis supports that this missense variant does not alter protein structure/function; Has not been previously published as pathogenic or benign to our knowledge; This variant is associated with the following publications: (PMID: 27248010)

Literature cited by the submitters: PubMed 33471991 (cited by Quest Diagnostics Nichols Institute San Juan Capistrano).